The following is an entry in ClinVar:

ClinVar aggregate classification (germline): Uncertain significance (1 of 4 stars; one submission).

Conditions:
Melnick-Needles syndrome (MNS). Also called: MELNICK-NEEDLES OSTEODYSPLASTY; OSTEODYSPLASTY OF MELNICK AND NEEDLES; Melnick-Needles Syndrome (FLNA-MNS). Identifiers: Orphanet 2484, MedGen C0025237, MONDO:0010650, OMIM 309350.
Frontometaphyseal dysplasia (FMD1). Identifiers: Orphanet 1826, MedGen C0265293, MONDO:0015942.
Heterotopia, periventricular, X-linked dominant (PVNH1). Also called: PERIVENTRICULAR NODULAR HETEROTOPIA 1; X-linked periventricular heterotopia; PERIVENTRICULAR NODULAR HETEROTOPIA 4; HETEROTOPIA, PERIVENTRICULAR, 1. Identifiers: Orphanet 2149, Orphanet 82004, MedGen C1848213, MONDO:0010233, OMIM 300049.
Oto-palato-digital syndrome, type II (OPD2). Also called: FACIOPALATOOSSEOUS SYNDROME; OPD II SYNDROME; Otopalatodigital Syndrome, Type II; Otopalatodigital Syndrome Type 2 (FLNA-OPD2). Identifiers: Orphanet 669, Orphanet 90652, MedGen C1844696, MONDO:0010571, OMIM 304120.

Submission:

Labcorp Genetics (formerly Invitae), Labcorp
Classification: Uncertain significance for Oto-palato-digital syndrome, type II; Heterotopia, periventricular, X-linked dominant; Frontometaphyseal dysplasia; Melnick-Needles syndrome. Last evaluated: 2024-05-21. Review status: criteria provided, single submitter. Criteria: Invitae Variant Classification Sherloc (09022015). Collection method: clinical testing. Allele origin: germline.
Comment: This sequence change replaces tyrosine, which is neutral and polar, with histidine, which is basic and polar, at codon 1235 of the FLNA protein (p.Tyr1235His). This variant is not present in population databases (gnomAD no frequency). This variant has not been reported in the literature in individuals affected with FLNA-related conditions. Advanced modeling of protein sequence and biophysical properties (such as structural, functional, and spatial information, amino acid conservation, physicochemical variation, residue mobility, and thermodynamic stability) performed at Invitae indicates that this missense variant is not expected to disrupt FLNA protein function with a negative predictive value of 95%. In summary, the available evidence is currently insufficient to determine the role of this variant in disease. Therefore, it has been classified as a Variant of Uncertain Significance.

NM_001110556.2(FLNA):c.3703T>C (p.Tyr1235His)

Gene: FLNA (filamin A; minus strand). Cytogenetic location: Xq28.
Variant type: single nucleotide variant.
Coding change: c.3703T>C on transcript NM_001110556.2 (MANE Select); coding-DNA position 3703, T replaced by C.
Protein change: p.Tyr1235His; replaces tyrosine 1235 with histidine.
Molecular consequence: missense variant.
Genome position (GRCh38, 1-based): chrX:154,360,092, A>G on the plus strand (T>C on the coding strand, the complement: FLNA is on the minus strand). VCF-style: chrX-154360092-A-G. GRCh37 (hg19) VCF-style: chrX-153588460-A-G.
Other names: c.3703T>C, p.Tyr1235His (NM_001456.4); short protein forms Y1235H.
Identifiers: ClinVar variation 3753992 (VCV003753992.2).